The following is an entry in ClinVar:

NM_007373.4(SHOC2):c.309G>A (p.Met103Ile)

Gene: SHOC2 (SHOC2 leucine rich repeat scaffold protein; plus strand). Cytogenetic location: 10q25.2.
Variant type: single nucleotide variant.
Coding change: c.309G>A on transcript NM_007373.4 (MANE Select); coding-DNA position 309, G replaced by A.
Protein change: p.Met103Ile; replaces methionine 103 with isoleucine.
Molecular consequence: missense variant.
Genome position (GRCh38, 1-based): chr10:110,964,667, G>A. VCF-style: chr10-110964667-G-A. GRCh37 (hg19) VCF-style: chr10-112724425-G-A.
Other names: c.309G>A, p.Met103Ile (NM_001269039.3, NM_001324336.2, NM_001324337.2); short protein forms M103I.
Identifiers: ClinVar variation 1696297 (VCV001696297.1), dbSNP rs1479169790, ClinGen allele CA378383883.

ClinVar aggregate classification (germline): Uncertain significance (1 of 4 stars; one submission).

Allele frequency attached by ClinVar (database versions not stated): gnomAD exomes below 0.00001.

Submission:

Women's Health and Genetics/Laboratory Corporation of America, LabCorp
Classification: Uncertain significance. Last evaluated: 2022-05-12. Review status: criteria provided, single submitter. Criteria: LabCorp Variant Classification Summary - May 2015. Collection method: clinical testing. Allele origin: germline.
Comment: Variant summary: SHOC2 c.309G>A (p.Met103Ile) results in a conservative amino acid change in the encoded protein sequence. Four of five in-silico tools predict a benign effect of the variant on protein function. The variant allele was found at a frequency of 4e-06 in 250978 control chromosomes. The available data on variant occurrences in the general population are insufficient to allow any conclusion about variant significance. To our knowledge, no occurrence of c.309G>A in individuals affected with Noonan Syndrome With Loose Anagen Hair and no experimental evidence demonstrating its impact on protein function have been reported. No clinical diagnostic laboratories have submitted clinical-significance assessments for this variant to ClinVar after 2014. Based on the evidence outlined above, the variant was classified as uncertain significance.